The following is an entry in ClinVar:

ClinVar aggregate classification (germline): Uncertain significance (1 of 4 stars; one submission).

Submission:

Labcorp Genetics (formerly Invitae), Labcorp
Classification: Uncertain significance. Last evaluated: 2024-09-27. Review status: criteria provided, single submitter. Criteria: Invitae Variant Classification Sherloc (09022015). Collection method: clinical testing. Allele origin: germline.
Comment: This sequence change replaces proline, which is neutral and non-polar, with histidine, which is basic and polar, at codon 1540 of the ALPK3 protein (p.Pro1540His). This variant is not present in population databases (gnomAD no frequency). This variant has not been reported in the literature in individuals affected with ALPK3-related conditions. Invitae Evidence Modeling of protein sequence and biophysical properties (such as structural, functional, and spatial information, amino acid conservation, physicochemical variation, residue mobility, and thermodynamic stability) indicates that this missense variant is expected to disrupt ALPK3 protein function with a positive predictive value of 80%. In summary, the available evidence is currently insufficient to determine the role of this variant in disease. Therefore, it has been classified as a Variant of Uncertain Significance.

NM_020778.5(ALPK3):c.4013C>A (p.Pro1338His)

Gene: ALPK3 (alpha kinase 3; plus strand). Cytogenetic location: 15q25.3.
Variant type: single nucleotide variant.
Coding change: c.4013C>A on transcript NM_020778.5 (MANE Select); coding-DNA position 4013, C replaced by A.
Protein change: p.Pro1338His; replaces proline 1338 with histidine.
Molecular consequence: missense variant.
Genome position (GRCh38, 1-based): chr15:84,859,823, C>A. VCF-style: chr15-84859823-C-A. GRCh37 (hg19) VCF-style: chr15-85403054-C-A.
Other names: short protein forms P1338H.
Identifiers: ClinVar variation 3687834 (VCV003687834.2).